The following is an entry in ClinVar:

NM_000059.4(BRCA2):c.4008_4009insCATC (p.Asp1337fs)

Gene: BRCA2 (BRCA2 DNA repair associated; plus strand). Cytogenetic location: 13q13.1.
Variant type: Insertion.
Coding change: c.4008_4009insCATC on transcript NM_000059.4 (MANE Select); coding-DNA positions 4008 to 4009, CATC inserted.
Protein change: p.Asp1337fs; shifts the reading frame from aspartic acid 1337.
Molecular consequence: frameshift variant.
Genome position: GRCh38 VCF-style: chr13-32338363-T-TCATC. GRCh37 (hg19) VCF-style: chr13-32912500-T-TCATC.
Other names: 4236ins4; short protein forms D1337fs.
Identifiers: ClinVar variation 126032 (VCV000126032.2), dbSNP rs80359420, ClinGen allele CA019388.
Genomic context (GRCh38, chr13:32,338,363, plus strand): 5'-TACTGAAAATGAAGATAACAAATATACTGCTGCCAGTAGAAATTCTCATAACTTAGAATT[T>TCATC]GATGGCAGTGATTCAAGTAAAAATGATACTGTTTGTATTCATAAAGATGAAACGGACTTG-3'

ClinVar aggregate classification (germline): Pathogenic. Review status: reviewed by expert panel (3 of 4 stars). 3 submissions from 3 submitters: Pathogenic (1). 2 of the submissions do not count toward it. Last evaluated 2016-09-08.

Conditions:
Hereditary breast ovarian cancer syndrome. Also called: Hereditary breast and ovarian cancer; Hereditary breast and/or ovarian cancer syndrome; BRCA1- and BRCA2-Associated Hereditary Breast and Ovarian Cancer; Hereditary breast and ovarian cancer syndrome; Hereditary breast and ovarian cancer syndrome (HBOC); Breast and ovarian cancer. Identifiers: Orphanet 145, MedGen C0677776, MeSH D061325, MONDO:0003582. Disease mechanism: loss of function.
Breast-ovarian cancer, familial, susceptibility to, 2 (BROVCA2). Also called: BRCA2 Hereditary Breast and Ovarian Cancer. Identifiers: Orphanet 145, MedGen C2675520, MONDO:0012933, OMIM 612555. Disease mechanism: loss of function.

Submissions (3):

Evidence-based Network for the Interpretation of Germline Mutant Alleles (ENIGMA)
Classification: Pathogenic for Breast-ovarian cancer, familial, susceptibility to, 2. Last evaluated: 2016-09-08. Review status: reviewed by expert panel. Criteria: ENIGMA BRCA1/2 Classification Criteria (2015). Collection method: curation. Allele origin: germline.
Comment: Variant allele predicted to encode a truncated non-functional protein.

Research Molecular Genetics Laboratory, Women's College Hospital, University of Toronto
Classification: Pathogenic for Hereditary breast ovarian cancer syndrome. Last evaluated: 2014-01-31. Review status: no assertion criteria provided. Collection method: research. Allele origin: germline. Affected: yes. Study: The Canadian Open Genetics Repository (COGR). Not counted in ClinVar's aggregate classification.

Breast Cancer Information Core (BIC) (BRCA2)
Classification: Pathogenic for Breast-ovarian cancer, familial 2. Review status: no assertion criteria provided. Collection method: clinical testing. Allele origin: unknown. Affected: yes. Observed: 1 variant allele. Not counted in ClinVar's aggregate classification.